The following is an entry in ClinVar:

NM_000548.5(TSC2):c.1332C>G (p.Asn444Lys)

Gene: TSC2 (TSC complex subunit 2; plus strand). Cytogenetic location: 16p13.3.
Variant type: single nucleotide variant.
Coding change: c.1332C>G on transcript NM_000548.5 (MANE Select); coding-DNA position 1332, C replaced by G.
Protein change: p.Asn444Lys; replaces asparagine 444 with lysine.
Molecular consequence: missense variant.
Genome position (GRCh38, 1-based): chr16:2,062,571, C>G. VCF-style: chr16-2062571-C-G. GRCh37 (hg19) VCF-style: chr16-2112572-C-G.
Other names: c.1332C>G, p.Asn444Lys (NM_001077183.3, NM_001114382.3, NM_001363528.2 and 3 more transcripts); c.1221C>G, p.Asn407Lys (NM_001318827.2); c.1185C>G, p.Asn395Lys (NM_001318829.2); c.732C>G, p.Asn244Lys (NM_001318831.2); c.1365C>G, p.Asn455Lys (NM_001318832.2); short protein forms N444K, N244K, N395K, N407K, N455K.
Identifiers: ClinVar variation 207714 (VCV000207714.16), dbSNP rs535984356, ClinGen allele CA319438.
Genomic context (GRCh38, chr16:2,062,571, plus strand): 5'-GAACCTGATCTCCTATAGAGCGCAGTCCATCCACCCGGCCAAGGACGGCTGGATTCAGAA[C>G]CTGCAGGCGCTGATGGAGAGATTCTTCAGGTAGGGGGTCCTCTGTAGCCTTGCCTGGCAC-3'
Protein context (NP_000539.2, residues 434-454): IHPAKDGWIQ[Asn444Lys]LQALMERFFR

ClinVar aggregate classification (germline): Uncertain significance. Review status: criteria provided, multiple submitters, no conflicts (2 of 4 stars). 4 submissions from 4 submitters: Uncertain significance (4). Last evaluated 2024-12-12.

Conditions:
Hereditary cancer-predisposing syndrome. Also called: Neoplastic Syndromes, Hereditary; Hereditary Cancer Syndrome; Tumor predisposition; Hereditary neoplastic syndrome. Identifiers: Orphanet 140162, MedGen C0027672, MeSH D009386, MONDO:0015356.
Isolated focal cortical dysplasia type II (FCORD2). Also called: CORTICAL DYSPLASIA OF TAYLOR; Focal cortical dysplasia type II. Identifiers: Orphanet 268994, MedGen C1846385, MONDO:0011818, OMIM 607341, HP:0032051.
Tuberous sclerosis 2 (TSC2). Identifiers: Orphanet 805, MedGen C1860707, MONDO:0013199, OMIM 613254.
Tuberous sclerosis syndrome (TSC). Also called: Tuberous Sclerosis Complex; Tuberous sclerosis. Identifiers: Orphanet 805, MedGen C0041341, MONDO:0001734.

Allele frequency attached by ClinVar (database versions not stated): TOPMed 0.00001.
gnomAD v4.1: 2 of 1,611,236 alleles (0.00012%); highest among the groups gnomAD compares: African/African-American, 0.0027%; no homozygotes.

Submissions (4):

Ambry Genetics
Classification: Uncertain significance for Hereditary cancer-predisposing syndrome. Last evaluated: 2024-12-12. Review status: criteria provided, single submitter. Criteria: Ambry Variant Classification Scheme 2023. Collection method: clinical testing. Allele origin: germline.
Comment: The p.N444K variant (also known as c.1332C>G), located in coding exon 12 of the TSC2 gene, results from a C to G substitution at nucleotide position 1332. The asparagine at codon 444 is replaced by lysine, an amino acid with similar properties. This amino acid position is well conserved in available vertebrate species. In addition, the in silico prediction for this alteration is inconclusive. Since supporting evidence is limited at this time, the clinical significance of this alteration remains unclear.

Labcorp Genetics (formerly Invitae), Labcorp
Classification: Uncertain significance for Tuberous sclerosis 2. Last evaluated: 2024-11-24. Review status: criteria provided, single submitter. Criteria: Invitae Variant Classification Sherloc (09022015). Collection method: clinical testing. Allele origin: germline.
Comment: This sequence change replaces asparagine, which is neutral and polar, with lysine, which is basic and polar, at codon 444 of the TSC2 protein (p.Asn444Lys). This variant is not present in population databases (gnomAD no frequency). This variant has not been reported in the literature in individuals affected with TSC2-related conditions. ClinVar contains an entry for this variant (Variation ID: 207714). Invitae Evidence Modeling of protein sequence and biophysical properties (such as structural, functional, and spatial information, amino acid conservation, physicochemical variation, residue mobility, and thermodynamic stability) indicates that this missense variant is not expected to disrupt TSC2 protein function with a negative predictive value of 95%. In summary, the available evidence is currently insufficient to determine the role of this variant in disease. Therefore, it has been classified as a Variant of Uncertain Significance.

Baylor Genetics
Classification: Uncertain significance for Isolated focal cortical dysplasia type II. Last evaluated: 2024-02-29. Review status: criteria provided, single submitter. Criteria: ACMG Guidelines, 2015. Collection method: clinical testing. Allele origin: unknown.

All of Us Research Program, National Institutes of Health
Classification: Uncertain significance for Tuberous sclerosis syndrome. Last evaluated: 2023-10-23. Review status: criteria provided, single submitter. Criteria: ACMG Guidelines, 2015. Collection method: clinical testing. Allele origin: germline. Inheritance: Autosomal dominant inheritance. Observed: 1 variant allele, 1 heterozygote.
Comment: This missense variant replaces asparagine with lysine at codon 444 of the TSC2 protein. Computational prediction is inconclusive regarding the impact of this variant on protein structure and function (internally defined REVEL score threshold 0.5 < inconclusive < 0.7, PMID: 27666373). To our knowledge, functional studies have not been reported for this variant. This variant has not been reported in individuals affected with tuberous sclerosis complex in the literature. This variant has not been identified in the general population by the Genome Aggregation Database (gnomAD). The available evidence is insufficient to determine the role of this variant in disease conclusively. Therefore, this variant is classified as a Variant of Uncertain Significance.

This study involves interpretation of variants in research participants for the purpose of population health screening. Participant phenotype was not available at the time of variant classification. Additional details can be found in publication PMID: 35346344, PMCID: PMC8962531